The following is an entry in ClinVar:

NM_052813.5(CARD9):c.1105G>A (p.Ala369Thr)

Gene: CARD9 (caspase recruitment domain family member 9; minus strand). Cytogenetic location: 9q34.3.
Variant type: single nucleotide variant.
Coding change: c.1105G>A on transcript NM_052813.5 (MANE Select); coding-DNA position 1105, G replaced by A.
Protein change: p.Ala369Thr; replaces alanine 369 with threonine.
Molecular consequence: missense variant.
Genome position (GRCh38, 1-based): chr9:136,367,801, C>T on the plus strand (G>A on the coding strand, the complement: CARD9 is on the minus strand). VCF-style: chr9-136367801-C-T. GRCh37 (hg19) VCF-style: chr9-139262253-C-T.
Other names: c.1105G>A, p.Ala369Thr (NM_052814.4); short protein forms A369T.
Identifiers: ClinVar variation 666017 (VCV000666017.10), dbSNP rs141270365, ClinGen allele CA5332827.

ClinVar aggregate classification (germline): Uncertain significance. Review status: criteria provided, multiple submitters, no conflicts (2 of 4 stars). 3 submissions from 3 submitters: Uncertain significance (3). Last evaluated 2025-05-09.

Conditions:
Inborn genetic diseases. Identifiers: MedGen C0950123, MeSH D030342.
Predisposition to invasive fungal disease due to CARD9 deficiency (IMD103). Also called: IMMUNODEFICIENCY 103, SUSCEPTIBILITY TO FUNGAL INFECTIONS; CARD9 IMMUNODEFICIENCY; Candidiasis, familial, 2, autosomal recessive. Identifiers: Orphanet 457088, MedGen C1859353, MONDO:0008905, OMIM 212050.

Allele frequency attached by ClinVar (database versions not stated): gnomAD exomes 0.00009 and 0.00018; ESP Exome Variant Server 0.00046; TOPMed 0.00051; ExAC 0.00022; gnomAD 0.00049 and 0.00053; 1000 Genomes Project 30x 0.00062; 1000 Genomes Project 0.00080.
gnomAD v4.1: 212 of 1,602,022 alleles (0.013%); highest among the groups gnomAD compares: African/African-American, 0.13%; no homozygotes.

Submissions (3):

Ambry Genetics
Classification: Uncertain significance for Inborn genetic diseases. Last evaluated: 2025-05-09. Review status: criteria provided, single submitter. Criteria: Ambry Variant Classification Scheme 2023. Collection method: clinical testing. Allele origin: germline.

Labcorp Genetics (formerly Invitae), Labcorp
Classification: Uncertain significance for Predisposition to invasive fungal disease due to CARD9 deficiency. Last evaluated: 2025-01-13. Review status: criteria provided, single submitter. Criteria: Invitae Variant Classification Sherloc (09022015). Collection method: clinical testing. Allele origin: germline.
Comment: This sequence change replaces alanine, which is neutral and non-polar, with threonine, which is neutral and polar, at codon 369 of the CARD9 protein (p.Ala369Thr). This variant is present in population databases (rs141270365, gnomAD 0.2%). This variant has not been reported in the literature in individuals affected with CARD9-related conditions. ClinVar contains an entry for this variant (Variation ID: 666017). Invitae Evidence Modeling of protein sequence and biophysical properties (such as structural, functional, and spatial information, amino acid conservation, physicochemical variation, residue mobility, and thermodynamic stability) indicates that this missense variant is not expected to disrupt CARD9 protein function with a negative predictive value of 80%. In summary, the available evidence is currently insufficient to determine the role of this variant in disease. Therefore, it has been classified as a Variant of Uncertain Significance.

GeneDx
Classification: Uncertain significance. Last evaluated: 2024-01-10. Review status: criteria provided, single submitter. Criteria: GeneDx Variant Classification Process June 2021. Collection method: clinical testing. Allele origin: germline.
Comment: In silico analysis supports that this missense variant does not alter protein structure/function; Has not been previously published as pathogenic or benign to our knowledge